The following is an entry in ClinVar:

NM_020822.3(KCNT1):c.1769+8C>A

Gene: KCNT1 (potassium sodium-activated channel subfamily T member 1; plus strand). Cytogenetic location: 9q34.3.
Variant type: single nucleotide variant.
Coding change: c.1769+8C>A on transcript NM_020822.3 (MANE Select); 8 bases into the intron after coding-DNA position 1769, C replaced by A.
Molecular consequence: intron variant.
Genome position (GRCh38, 1-based): chr9:135,770,455, C>A. VCF-style: chr9-135770455-C-A. GRCh37 (hg19) VCF-style: chr9-138662301-C-A.
Other names: c.1634+8C>A (NM_001272003.2).
Identifiers: ClinVar variation 386655 (VCV000386655.16), dbSNP rs371287985, ClinGen allele CA5327052.

ClinVar aggregate classification (germline): Likely benign. Review status: criteria provided, multiple submitters, no conflicts (2 of 4 stars). 6 submissions from 5 submitters: Likely benign (5). 1 of the submissions does not count toward it. Last evaluated 2025-09-02.

Conditions:
KCNT1-related disorder. Also called: KCNT1-related condition.
Developmental and epileptic encephalopathy, 14 (DEE14). Also called: Early infantile epileptic encephalopathy 14. Identifiers: Orphanet 293181, MedGen C3554195, MONDO:0013989, OMIM 614959.
Autosomal dominant nocturnal frontal lobe epilepsy 5. Also called: KCNT1-Related Epilepsy; CILIARY DYSKINESIA, PRIMARY, 28, WITHOUT SITUS INVERSUS; CILIARY DYSKINESIA, PRIMARY, 28, WITH SITUS INVERSUS; Epilepsy, nocturnal frontal lobe, 5. Identifiers: Orphanet 98784, MedGen C3554306, MONDO:0014002, OMIM 615005.

Allele frequency attached by ClinVar (database versions not stated): TOPMed 0.00001.
gnomAD v4.1: 25 of 1,606,586 alleles (0.0016%); highest among the groups gnomAD compares: African/African-American, 0.015%; no homozygotes.

Submissions (6):

Labcorp Genetics (formerly Invitae), Labcorp
Classification: Likely benign for Autosomal dominant nocturnal frontal lobe epilepsy 5; Developmental and epileptic encephalopathy, 14. Last evaluated: 2025-09-02. Review status: criteria provided, single submitter. Criteria: Invitae Variant Classification Sherloc (09022015). Collection method: clinical testing. Allele origin: germline.

Blueprint Genetics
Classification: Likely benign. Last evaluated: 2024-09-13. Review status: criteria provided, single submitter. Criteria: ACMG Guidelines, 2015. Collection method: clinical testing. Allele origin: germline.

Genome-Nilou Lab
Classification: Likely benign for Developmental and epileptic encephalopathy, 14. Last evaluated: 2022-03-15. Review status: criteria provided, single submitter. Criteria: ACMG Guidelines, 2015. Collection method: clinical testing. Allele origin: germline. Affected: no.

Genome-Nilou Lab
Classification: Likely benign for Autosomal dominant nocturnal frontal lobe epilepsy 5. Last evaluated: 2022-03-15. Review status: criteria provided, single submitter. Criteria: ACMG Guidelines, 2015. Collection method: clinical testing. Allele origin: germline. Affected: no.

GeneDx
Classification: Likely benign. Last evaluated: 2017-03-02. Review status: criteria provided, single submitter. Criteria: GeneDx Variant Classification (06012015). Collection method: clinical testing. Allele origin: germline. Affected: yes.
Comment: This variant is considered likely benign or benign based on one or more of the following criteria: it is a conservative change, it occurs at a poorly conserved position in the protein, it is predicted to be benign by multiple in silico algorithms, and/or has population frequency not consistent with disease.

PreventionGenetics, part of Exact Sciences
Classification: Likely benign for KCNT1-related condition. Last evaluated: 2019-08-20. Review status: no assertion criteria provided. Collection method: clinical testing. Allele origin: germline. Not counted in ClinVar's aggregate classification.
Comment: This variant is classified as likely benign based on ACMG/AMP sequence variant interpretation guidelines (Richards et al. 2015 PMID: 25741868, with internal and published modifications).